The following is an entry in ClinVar:

NM_032603.5(LOXL3):c.896C>T (p.Ser299Leu)

Gene: LOXL3 (lysyl oxidase like 3; minus strand). Cytogenetic location: 2p13.1.
Variant type: single nucleotide variant.
Coding change: c.896C>T on transcript NM_032603.5 (MANE Select); coding-DNA position 896, C replaced by T.
Protein change: p.Ser299Leu; replaces serine 299 with leucine.
Molecular consequence: missense variant. On other transcripts: intron variant (2).
Genome position (GRCh38, 1-based): chr2:74,536,725, G>A on the plus strand (C>T on the coding strand, the complement: LOXL3 is on the minus strand). VCF-style: chr2-74536725-G-A. GRCh37 (hg19) VCF-style: chr2-74763852-G-A.
Other names: c.478-254C>T (NM_001289164.3); c.-171-254C>T (NM_001289165.2); short protein forms S299L.
Identifiers: ClinVar variation 1368747 (VCV001368747.3), dbSNP rs1020801673, ClinGen allele CA50492576.

ClinVar aggregate classification (germline): Uncertain significance (1 of 4 stars; one submission).

Allele frequency attached by ClinVar (database versions not stated): gnomAD 0.00001; gnomAD exomes 0.00001; TOPMed 0.00002.

Submission:

Labcorp Genetics (formerly Invitae), Labcorp
Classification: Uncertain significance. Last evaluated: 2022-07-25. Review status: criteria provided, single submitter. Criteria: Invitae Variant Classification Sherloc (09022015). Collection method: clinical testing. Allele origin: germline.
Comment: This sequence change replaces serine, which is neutral and polar, with leucine, which is neutral and non-polar, at codon 299 of the LOXL3 protein (p.Ser299Leu). This variant is present in population databases (no rsID available, gnomAD 0.006%). This variant has not been reported in the literature in individuals affected with LOXL3-related conditions. ClinVar contains an entry for this variant (Variation ID: 1368747). Algorithms developed to predict the effect of missense changes on protein structure and function output the following: SIFT: "Deleterious"; PolyPhen-2: "Benign"; Align-GVGD: "Class C0". The leucine amino acid residue is found in multiple mammalian species, which suggests that this missense change does not adversely affect protein function. In summary, the available evidence is currently insufficient to determine the role of this variant in disease. Therefore, it has been classified as a Variant of Uncertain Significance.